The following is an entry in ClinVar:

ClinVar aggregate classification (germline): Conflicting classifications of pathogenicity. Review status: criteria provided, conflicting classifications (1 of 4 stars). 5 submissions from 5 submitters: Uncertain significance (1); Likely benign (3). 1 of the submissions does not count toward it. Last evaluated 2025-05-01.

Conditions:
PIK3CA-related disorder. Also called: PIK3CA- related disease; PIK3CA-related disorders; PIK3CA-related condition.
Inborn genetic diseases. Identifiers: MedGen C0950123, MeSH D030342.
Cowden syndrome (CS). Also called: Cowden's disease; Cowden's syndrome; Cowden disease. Identifiers: Orphanet 201, MedGen C0018553, MONDO:0016063. Disease mechanism: gain of function.

Allele frequency attached by ClinVar (database versions not stated): gnomAD exomes 0.00001 and 0.00002; TOPMed 0.00001; ExAC 0.00002.
gnomAD v4.1: 19 of 1,613,134 alleles (0.0012%); highest among the groups gnomAD compares: Admixed American, 0.012%; no homozygotes.

Submissions (5):

CeGaT Center for Human Genetics Tuebingen
Classification: Likely benign. Last evaluated: 2025-05-01. Review status: criteria provided, single submitter. Criteria: CeGaT Center For Human Genetics Tuebingen Variant Classification Criteria Version 2. Collection method: clinical testing. Allele origin: germline. Affected: yes. Observed: 1 variant allele.
Comment: PIK3CA: BP4, BP7

Labcorp Genetics (formerly Invitae), Labcorp
Classification: Likely benign for Cowden syndrome. Last evaluated: 2023-08-09. Review status: criteria provided, single submitter. Criteria: Invitae Variant Classification Sherloc (09022015). Collection method: clinical testing. Allele origin: germline.

Ambry Genetics
Classification: Likely benign for Inborn genetic diseases. Last evaluated: 2022-04-23. Review status: criteria provided, single submitter. Criteria: Ambry Variant Classification Scheme 2023. Collection method: clinical testing. Allele origin: germline.

Breakthrough Genomics
Classification: Uncertain significance. Review status: criteria provided, single submitter. Criteria: ACMG Guidelines, 2015. Collection method: not provided. Allele origin: germline. Inheritance: Autosomal dominant inheritance. Affected: yes.

PreventionGenetics, part of Exact Sciences
Classification: Likely benign for PIK3CA-related condition. Last evaluated: 2020-03-02. Review status: no assertion criteria provided. Collection method: clinical testing. Allele origin: germline. Not counted in ClinVar's aggregate classification.
Comment: This variant is classified as likely benign based on ACMG/AMP sequence variant interpretation guidelines (Richards et al. 2015 PMID: 25741868, with internal and published modifications).

NM_006218.4(PIK3CA):c.2592C>T (p.Gly864=)

Gene: PIK3CA (phosphatidylinositol-4,5-bisphosphate 3-kinase catalytic subunit alpha; plus strand). Cytogenetic location: 3q26.32.
Variant type: single nucleotide variant.
Coding change: c.2592C>T on transcript NM_006218.4 (MANE Select); coding-DNA position 2592, C replaced by T.
Protein change: p.Gly864=; no amino-acid change (glycine 864 retained).
Molecular consequence: synonymous variant.
Genome position (GRCh38, 1-based): chr3:179,229,368, C>T. VCF-style: chr3-179229368-C-T. GRCh37 (hg19) VCF-style: chr3-178947156-C-T.
Other names: c.2592C>T (NM_006218.3).
Identifiers: ClinVar variation 1009802 (VCV001009802.27), dbSNP rs780492649, ClinGen allele CA2710984.